The following is an entry in ClinVar:

ClinVar aggregate classification (germline): Uncertain significance (1 of 4 stars; one submission).

Conditions:
Werner syndrome (WRN). Identifiers: Orphanet 902, MedGen C0043119, MONDO:0010196, OMIM 277700.

Submission:

Labcorp Genetics (formerly Invitae), Labcorp
Classification: Uncertain significance for Werner syndrome. Last evaluated: 2020-02-18. Review status: criteria provided, single submitter. Criteria: Invitae Variant Classification Sherloc (09022015). Collection method: clinical testing. Allele origin: germline.
Comment: In summary, the available evidence is currently insufficient to determine the role of this variant in disease. Therefore, it has been classified as a Variant of Uncertain Significance. Algorithms developed to predict the effect of missense changes on protein structure and function are either unavailable or do not agree on the potential impact of this missense change (SIFT: "Not Available"; PolyPhen-2: "Probably Damaging"; Align-GVGD: "Class Not Available"). This variant has not been reported in the literature in individuals with WRN-related conditions. This variant is not present in population databases (ExAC no frequency). This sequence change replaces lysine with asparagine at codon 1159 of the WRN protein (p.Lys1159Asn). The lysine residue is weakly conserved and there is a moderate physicochemical difference between lysine and asparagine.

NM_000553.6(WRN):c.3477A>T (p.Lys1159Asn)

Gene: WRN (WRN RecQ like helicase; plus strand). Cytogenetic location: 8p12.
Variant type: single nucleotide variant.
Coding change: c.3477A>T on transcript NM_000553.6 (MANE Select); coding-DNA position 3477, A replaced by T.
Protein change: p.Lys1159Asn; replaces lysine 1159 with asparagine.
Molecular consequence: missense variant.
Genome position (GRCh38, 1-based): chr8:31,147,381, A>T. VCF-style: chr8-31147381-A-T. GRCh37 (hg19) VCF-style: chr8-31004897-A-T.
Other names: short protein forms K1159N.
Identifiers: ClinVar variation 1035775 (VCV001035775.3), dbSNP rs1802900514, ClinGen allele CA370925683.